The following is an entry in ClinVar:

NM_005592.4(MUSK):c.486G>C (p.Arg162Ser)

Gene: MUSK (muscle associated receptor tyrosine kinase; plus strand). Cytogenetic location: 9q31.3.
Variant type: single nucleotide variant.
Coding change: c.486G>C on transcript NM_005592.4 (MANE Select); coding-DNA position 486, G replaced by C.
Protein change: p.Arg162Ser; replaces arginine 162 with serine.
Molecular consequence: missense variant.
Genome position (GRCh38, 1-based): chr9:110,695,530, G>C. VCF-style: chr9-110695530-G-C. GRCh37 (hg19) VCF-style: chr9-113457810-G-C.
Other names: c.486G>C, p.Arg162Ser (NM_001166280.2, NM_001166281.2); short protein forms R162S.
Identifiers: ClinVar variation 197258 (VCV000197258.19), dbSNP rs200750233, ClinGen allele CA245290.

ClinVar aggregate classification (germline): Conflicting classifications of pathogenicity. Review status: criteria provided, conflicting classifications (1 of 4 stars). 4 submissions from 4 submitters: Uncertain significance (3); Likely benign (1). Last evaluated 2026-02-01.

Conditions:
Fetal akinesia deformation sequence 1 (FADS1). Also called: Fetal akinesia sequence; Pena-Shokeir syndrome type I. Identifiers: Orphanet 994, MedGen C1276035, MONDO:0100101, OMIM 208150, HP:0001989.
Congenital myasthenic syndrome 9. Also called: Myasthenic syndrome, congenital, 9, associated with acetylcholine receptor deficiency. Identifiers: Orphanet 590, MedGen C4225368, MONDO:0014587, OMIM 616325.

Allele frequency attached by ClinVar (database versions not stated): ExAC 0.00036; ESP Exome Variant Server 0.00026; gnomAD 0.00032 and 0.00028; gnomAD exomes 0.00018 and 0.00029; TOPMed 0.00034.
gnomAD v4.1: 314 of 1,549,130 alleles (0.02%); highest among the groups gnomAD compares: Middle Eastern, 0.17%; no homozygotes.

Submissions (4):

Labcorp Genetics (formerly Invitae), Labcorp
Classification: Likely benign for Congenital myasthenic syndrome 9; Fetal akinesia deformation sequence 1. Last evaluated: 2026-02-01. Review status: criteria provided, single submitter. Criteria: Invitae Variant Classification Sherloc (09022015). Collection method: clinical testing. Allele origin: germline.

Baylor Genetics
Classification: Uncertain significance for Congenital myasthenic syndrome 9. Last evaluated: 2019-09-25. Review status: criteria provided, single submitter. Criteria: ACMG Guidelines, 2015. Collection method: clinical testing. Allele origin: unknown. Affected: yes.
Comment: This variant was determined to be of uncertain significance according to ACMG Guidelines, 2015 [PMID:25741868].

Illumina Laboratory Services, Illumina
Classification: Uncertain significance for Congenital myasthenic syndrome 9. Last evaluated: 2018-01-13. Review status: criteria provided, single submitter. Criteria: ICSL Variant Classification Criteria 13 December 2019. Collection method: clinical testing. Allele origin: germline.

Eurofins Ntd Llc (ga)
Classification: Uncertain significance. Last evaluated: 2015-04-09. Review status: criteria provided, single submitter. Criteria: EGL Classification Definitions 2015. Collection method: clinical testing. Allele origin: germline. Observed: 1 variant allele, 1 heterozygote.